The following is an entry in ClinVar:

NM_001267550.2(TTN):c.97395C>T (p.Thr32465=)

Genes: TTN (titin; minus strand), TTN-AS1 (TTN antisense RNA 1; plus strand). Cytogenetic location: 2q31.2.
Variant type: single nucleotide variant.
Coding change: c.97395C>T on transcript NM_001267550.2 (MANE Select); coding-DNA position 97395, C replaced by T.
Protein change: p.Thr32465=; no amino-acid change (threonine 32465 retained).
Molecular consequence: synonymous variant. On other transcripts: non-coding transcript variant (1).
Genome position (GRCh38, 1-based): chr2:178,542,361, G>A on the plus strand (C>T on the coding strand, the complement: TTN is on the minus strand). VCF-style: chr2-178542361-G-A. GRCh37 (hg19) VCF-style: chr2-179407088-G-A.
Other names: c.92472C>T, p.Thr30824= (NM_001256850.1); c.70200C>T, p.Thr23400= (NM_003319.4); c.89691C>T, p.Thr29897= (NM_133378.4); c.70575C>T, p.Thr23525= (NM_133432.3); c.70776C>T, p.Thr23592= (NM_133437.4).
Identifiers: ClinVar variation 389368 (VCV000389368.14), dbSNP rs755328785, ClinGen allele CA1986566.

ClinVar aggregate classification (germline): Likely benign. Review status: criteria provided, multiple submitters, no conflicts (2 of 4 stars). 4 submissions from 4 submitters: Likely benign (4). Last evaluated 2025-08-16.

Conditions:
TTN-related disorder. Also called: TTN-related disorders; TTN-related condition; TTN-related disease.
Autosomal recessive limb-girdle muscular dystrophy type 2J (LGMDR10). Also called: Limb-girdle muscular dystrophy, type 2J; MUSCULAR DYSTROPHY, LIMB-GIRDLE, AUTOSOMAL RECESSIVE 10. Identifiers: Orphanet 140922, MedGen C1837342, MONDO:0012127, OMIM 608807.
Dilated cardiomyopathy 1G (CMD1G). Identifiers: Orphanet 154, MedGen C1858763, MONDO:0011400, OMIM 604145.
Cardiovascular phenotype. Identifiers: MedGen CN230736.

Allele frequency attached by ClinVar (database versions not stated): TOPMed 0.00001; gnomAD 0.00002.
gnomAD v4.1: 18 of 1,613,310 alleles (0.0011%); highest among the groups gnomAD compares: African/African-American, 0.0053%; no homozygotes.

Submissions (4):

Labcorp Genetics (formerly Invitae), Labcorp
Classification: Likely benign for Dilated cardiomyopathy 1G; Autosomal recessive limb-girdle muscular dystrophy type 2J. Last evaluated: 2025-08-16. Review status: criteria provided, single submitter. Criteria: Invitae Variant Classification Sherloc (09022015). Collection method: clinical testing. Allele origin: germline.

PreventionGenetics, part of Exact Sciences
Classification: Likely benign for TTN-related condition. Last evaluated: 2025-06-20. Review status: criteria provided, single submitter. Criteria: ACMG Guidelines, 2015. Collection method: clinical testing. Allele origin: germline.
Comment: This variant is classified as likely benign based on ACMG/AMP sequence variant interpretation guidelines (Richards et al. 2015 PMID: 25741868, with internal and published modifications).

GeneDx
Classification: Likely benign. Last evaluated: 2016-09-15. Review status: criteria provided, single submitter. Criteria: GeneDx Variant Classification (06012015). Collection method: clinical testing. Allele origin: germline. Affected: yes.
Comment: This variant is considered likely benign or benign based on one or more of the following criteria: it is a conservative change, it occurs at a poorly conserved position in the protein, it is predicted to be benign by multiple in silico algorithms, and/or has population frequency not consistent with disease.

Ambry Genetics
Classification: Likely benign for Cardiovascular phenotype. Last evaluated: 2016-06-10. Review status: criteria provided, single submitter. Criteria: Ambry Variant Classification Scheme 2023. Collection method: clinical testing. Allele origin: germline.